The following is an entry in ClinVar:

ClinVar aggregate classification (germline): Uncertain significance (1 of 4 stars; one submission).

Submission:

Genetic Services Laboratory, University of Chicago
Classification: Uncertain significance. Last evaluated: 2021-02-10. Review status: criteria provided, single submitter. Criteria: ACMG Guidelines, 2015. Collection method: clinical testing. Allele origin: germline. Affected: no.
Comment: This sequence change does not appear to have been previously described in patients with TERT-related disorders and has also not been described in the large population databases such as ExAC and gnomAD. The p.Asn1028Thr change affects a highly conserved amino acid residue located in a domain of the TERT protein that is not known to be functional. In-silico pathogenicity prediction tools (SIFT, PolyPhen2, Align GVGD, REVEL) provide contradictory results for the p.Asn1028Thr substitution. Due to these contrasting evidences and the lack of functional studies, the clinical significance of the p.Asn1028Thr change remains unknown at this time.

NM_198253.3(TERT):c.3083A>C (p.Asn1028Thr)

Gene: TERT (telomerase reverse transcriptase; minus strand). Cytogenetic location: 5p15.33.
Variant type: single nucleotide variant.
Coding change: c.3083A>C on transcript NM_198253.3 (MANE Select); coding-DNA position 3083, A replaced by C.
Protein change: p.Asn1028Thr; replaces asparagine 1028 with threonine.
Molecular consequence: missense variant. On other transcripts: non-coding transcript variant (2).
Genome position (GRCh38, 1-based): chr5:1,255,361, T>G on the plus strand (A>C on the coding strand, the complement: TERT is on the minus strand). VCF-style: chr5-1255361-T-G. GRCh37 (hg19) VCF-style: chr5-1255476-T-G.
Other names: c.2894A>C, p.Asn965Thr (NM_001193376.3); short protein forms N1028T, N965T.
Identifiers: ClinVar variation 1337824 (VCV001337824.4), dbSNP rs2126562757, ClinGen allele CA359068237.